The following is an entry in ClinVar:

ClinVar aggregate classification (germline): Uncertain significance (1 of 4 stars; one submission).

Conditions:
Nephronophthisis. Also called: Juvenile Nephronophthisis. Identifiers: Orphanet 655, MedGen C0687120, MONDO:0019005, HP:0000090.

Submission:

Labcorp Genetics (formerly Invitae), Labcorp
Classification: Uncertain significance for Nephronophthisis. Last evaluated: 2024-01-02. Review status: criteria provided, single submitter. Criteria: Invitae Variant Classification Sherloc (09022015). Collection method: clinical testing. Allele origin: germline.
Comment: This sequence change replaces glutamine, which is neutral and polar, with arginine, which is basic and polar, at codon 121 of the IQCB1 protein (p.Gln121Arg). This variant is not present in population databases (gnomAD no frequency). This variant has not been reported in the literature in individuals affected with IQCB1-related conditions. ClinVar contains an entry for this variant (Variation ID: 1415143). Advanced modeling of protein sequence and biophysical properties (such as structural, functional, and spatial information, amino acid conservation, physicochemical variation, residue mobility, and thermodynamic stability) performed at Invitae indicates that this missense variant is not expected to disrupt IQCB1 protein function with a negative predictive value of 80%. In summary, the available evidence is currently insufficient to determine the role of this variant in disease. Therefore, it has been classified as a Variant of Uncertain Significance.

NM_001023570.4(IQCB1):c.362A>G (p.Gln121Arg)

Gene: IQCB1 (IQ motif containing B1; minus strand). Cytogenetic location: 3q13.33.
Variant type: single nucleotide variant.
Coding change: c.362A>G on transcript NM_001023570.4 (MANE Select); coding-DNA position 362, A replaced by G.
Protein change: p.Gln121Arg; replaces glutamine 121 with arginine.
Molecular consequence: missense variant. On other transcripts: non-coding transcript variant (1).
Genome position (GRCh38, 1-based): chr3:121,826,082, T>C on the plus strand (A>G on the coding strand, the complement: IQCB1 is on the minus strand). VCF-style: chr3-121826082-T-C. GRCh37 (hg19) VCF-style: chr3-121544929-T-C.
Other names: c.362A>G, p.Gln121Arg (NM_001023571.4, NM_001319107.2); short protein forms Q121R.
Identifiers: ClinVar variation 1415143 (VCV001415143.6), dbSNP rs2108637383, ClinGen allele CA354111506.